The following is an entry in ClinVar:

ClinVar aggregate classification (germline): Benign. Review status: criteria provided, multiple submitters, no conflicts (2 of 4 stars). 3 submissions from 3 submitters: Benign (3). Last evaluated 2024-01-24.

Allele frequency attached by ClinVar (database versions not stated): ExAC 0.24817; gnomAD exomes 0.24862; ESP Exome Variant Server 0.27800; gnomAD 0.29852 and 0.30094; TOPMed 0.32708; 1000 Genomes Project 0.37720; 1000 Genomes Project 30x 0.38132.
gnomAD v4.1: 299,654 of 1,574,228 alleles (19%); highest among the groups gnomAD compares: African/African-American, 57%; 38,879 homozygotes.

Submissions (3):

Unidad de Genómica Garrahan, Hospital de Pediatría Garrahan
Classification: Benign. Last evaluated: 2024-01-24. Review status: criteria provided, single submitter. Criteria: ACMG Guidelines, 2015. Collection method: clinical testing. Allele origin: germline. Affected: no. Observed: 55 variant alleles.
Comment: This variant is classified as Benign based on local population frequency. This variant was detected in 58% of patients studied by a panel of primary immunodeficiencies. Number of patients: 55. Only high quality variants are reported.

GeneDx
Classification: Benign. Last evaluated: 2018-07-31. Review status: criteria provided, single submitter. Criteria: GeneDx Variant Classification Process June 2021. Collection method: clinical testing. Allele origin: germline. Affected: yes.

Breakthrough Genomics
Classification: Benign. Review status: criteria provided, single submitter. Criteria: ACMG Guidelines, 2015. Collection method: not provided. Allele origin: germline. Inheritance: Autosomal recessive inheritance. Affected: yes.

NM_020964.3(EPG5):c.1793-35C>T

Gene: EPG5 (ectopic P-granules 5 autophagy tethering factor; minus strand). Cytogenetic location: 18q21.1.
Variant type: single nucleotide variant.
Coding change: c.1793-35C>T on transcript NM_020964.3 (MANE Select); 35 bases into the intron before coding-DNA position 1793, C replaced by T.
Molecular consequence: intron variant.
Genome position (GRCh38, 1-based): chr18:45,943,346, G>A on the plus strand (C>T on the coding strand, the complement: EPG5 is on the minus strand). VCF-style: chr18-45943346-G-A. GRCh37 (hg19) VCF-style: chr18-43523312-G-A.
Identifiers: ClinVar variation 1259149 (VCV001259149.5), dbSNP rs3745000, ClinGen allele CA8949607.